The following is an entry in ClinVar:

NC_000009.11:g.(?_2029023)_(5300444_?)dup

Genes: INSL6 (insulin like 6; minus strand), AK3 (adenylate kinase 3; minus strand), CDC37L1 (cell division cycle 37 like 1, HSP90 cochaperone; plus strand), GLIS3 (GLIS family zinc finger 3; minus strand), INSL4 (insulin like 4; plus strand) and 12 more. Cytogenetic location: 9p24.3-24.1.
Variant type: Duplication.
Identifiers: ClinVar variation 1042801 (VCV001042801.1).

ClinVar aggregate classification (germline): Uncertain significance (1 of 4 stars; one submission).

Submission:

Labcorp Genetics (formerly Invitae), Labcorp
Classification: Uncertain significance. Last evaluated: 2020-06-30. Review status: criteria provided, single submitter. Criteria: Invitae Variant Classification Sherloc (09022015). Collection method: clinical testing. Allele origin: germline.
Comment: This variant results in a copy number gain of the genomic region encompassing the full coding sequence of the KCNV2 gene. The boundaries of this event are unknown as they extend beyond the assayed region for this gene and therefore may encompass additional genes. As the precise location of this event is unknown, it may be in tandem or it may be located elsewhere in the genome. This variant has not been reported in the literature in individuals with KCNV2-related conditions. In summary, the available evidence is currently insufficient to determine the role of this variant in disease. Therefore, it has been classified as a Variant of Uncertain Significance.